The following is an entry in ClinVar:

ClinVar aggregate classification (germline): Uncertain significance (1 of 4 stars; one submission).

Allele frequency attached by ClinVar (database versions not stated): gnomAD 0.00001; gnomAD exomes 0.00001; TOPMed 0.00003.
gnomAD v4.1: 13 of 1,612,108 alleles (0.00081%); highest among the groups gnomAD compares: African/African-American, 0.0067%; no homozygotes.

Submission:

Labcorp Genetics (formerly Invitae), Labcorp
Classification: Uncertain significance. Last evaluated: 2025-08-04. Review status: criteria provided, single submitter. Criteria: Invitae Variant Classification Sherloc (09022015). Collection method: clinical testing. Allele origin: germline.
Comment: This sequence change replaces glycine, which is neutral and non-polar, with arginine, which is basic and polar, at codon 413 of the IL2RB protein (p.Gly413Arg). This variant is present in population databases (no rsID available, gnomAD 0.004%). This variant has not been reported in the literature in individuals affected with IL2RB-related conditions. ClinVar contains an entry for this variant (Variation ID: 1944699). An algorithm developed to predict the effect of missense changes on protein structure and function (PolyPhen-2) suggests that this variant is likely to be disruptive. In summary, the available evidence is currently insufficient to determine the role of this variant in disease. Therefore, it has been classified as a Variant of Uncertain Significance.

NM_000878.5(IL2RB):c.1237G>A (p.Gly413Arg)

Gene: IL2RB (interleukin 2 receptor subunit beta; minus strand). Cytogenetic location: 22q12.3.
Variant type: single nucleotide variant.
Coding change: c.1237G>A on transcript NM_000878.5 (MANE Select); coding-DNA position 1237, G replaced by A.
Protein change: p.Gly413Arg; replaces glycine 413 with arginine.
Molecular consequence: missense variant.
Genome position (GRCh38, 1-based): chr22:37,128,515, C>T on the plus strand (G>A on the coding strand, the complement: IL2RB is on the minus strand). VCF-style: chr22-37128515-C-T. GRCh37 (hg19) VCF-style: chr22-37524555-C-T.
Other names: c.1237G>A, p.Gly413Arg (NM_001346222.1, NM_001346223.2); short protein forms G413R.
Identifiers: ClinVar variation 1944699 (VCV001944699.3), dbSNP rs886997600, ClinGen allele CA324043374.